The following is an entry in ClinVar:

ClinVar aggregate classification (germline): Uncertain significance (1 of 4 stars; one submission).

Submission:

GeneDx
Classification: Uncertain significance. Last evaluated: 2024-05-23. Review status: criteria provided, single submitter. Criteria: GeneDx Variant Classification Process June 2021. Collection method: clinical testing. Allele origin: germline. Affected: yes.
Comment: Not observed at significant frequency in large population cohorts (gnomAD); In silico analysis supports that this missense variant has a deleterious effect on protein structure/function; Has not been previously published as pathogenic or benign to our knowledge; Reported using an alternate transcript of the gene

NM_001128840.3(CACNA1D):c.1208G>A (p.Gly403Asp)

Gene: CACNA1D (calcium voltage-gated channel subunit alpha1 D; plus strand). Cytogenetic location: 3p21.1.
Variant type: single nucleotide variant.
Coding change: c.1208G>A on transcript NM_001128840.3 (MANE Select); coding-DNA position 1208, G replaced by A.
Protein change: p.Gly403Asp; replaces glycine 403 with aspartic acid.
Molecular consequence: missense variant. On other transcripts: intron variant (1).
Genome position (GRCh38, 1-based): chr3:53,673,114, G>A. VCF-style: chr3-53673114-G-A. GRCh37 (hg19) VCF-style: chr3-53707141-G-A.
Other names: c.1208G>A, p.Gly403Asp (NM_001128839.3); c.1117-599G>A (NM_000720.4); short protein forms G403D.
Identifiers: ClinVar variation 3383538 (VCV003383538.1).